The following is an entry in ClinVar:

NM_000059.4(BRCA2):c.6665A>G (p.Tyr2222Cys)

Gene: BRCA2 (BRCA2 DNA repair associated; plus strand). Cytogenetic location: 13q13.1.
Variant type: single nucleotide variant.
Coding change: c.6665A>G on transcript NM_000059.4 (MANE Select); coding-DNA position 6665, A replaced by G.
Protein change: p.Tyr2222Cys; replaces tyrosine 2222 with cysteine.
Molecular consequence: missense variant.
Genome position (GRCh38, 1-based): chr13:32,341,020, A>G. VCF-style: chr13-32341020-A-G. GRCh37 (hg19) VCF-style: chr13-32915157-A-G.
Other names: short protein forms Y2222C.
Identifiers: ClinVar variation 52151 (VCV000052151.40), dbSNP rs397507875, ClinGen allele CA024271.

ClinVar aggregate classification (germline): Conflicting classifications of pathogenicity. Review status: criteria provided, conflicting classifications (1 of 4 stars). 13 submissions from 13 submitters: Uncertain significance (6); Likely benign (5). 2 of the submissions do not count toward it. Last evaluated 2026-01-31.

Conditions:
Hereditary breast ovarian cancer syndrome. Also called: Hereditary breast and ovarian cancer syndrome; Hereditary breast and ovarian cancer; Hereditary breast and ovarian cancer syndrome (HBOC); Breast and ovarian cancer; Hereditary breast and/or ovarian cancer syndrome; BRCA1- and BRCA2-Associated Hereditary Breast and Ovarian Cancer. Identifiers: Orphanet 145, MedGen C0677776, MeSH D061325, MONDO:0003582. Disease mechanism: loss of function.
Hereditary cancer-predisposing syndrome. Also called: Neoplastic Syndromes, Hereditary; Tumor predisposition; Hereditary neoplastic syndrome; Hereditary Cancer Syndrome. Identifiers: Orphanet 140162, MedGen C0027672, MeSH D009386, MONDO:0015356.
Breast-ovarian cancer, familial, susceptibility to, 2 (BROVCA2). Also called: BRCA2 Hereditary Breast and Ovarian Cancer. Identifiers: Orphanet 145, MedGen C2675520, MONDO:0012933, OMIM 612555. Disease mechanism: loss of function.

Allele frequency attached by ClinVar (database versions not stated): gnomAD exomes 0.00001 and 0.00002; ExAC 0.00002.
gnomAD v4.1: 12 of 1,613,418 alleles (0.00074%); highest among the groups gnomAD compares: Non-Finnish European, 0.001%; no homozygotes.

Submissions (13):

Labcorp Genetics (formerly Invitae), Labcorp
Classification: Likely benign for Hereditary breast ovarian cancer syndrome. Last evaluated: 2026-01-31. Review status: criteria provided, single submitter. Criteria: Invitae Variant Classification Sherloc (09022015). Collection method: clinical testing. Allele origin: germline.

Ambry Genetics
Classification: Uncertain significance for Hereditary cancer-predisposing syndrome. Last evaluated: 2025-09-18. Review status: criteria provided, single submitter. Criteria: Ambry Variant Classification Scheme 2023. Collection method: clinical testing. Allele origin: germline.
Comment: The p.Y2222C variant (also known as c.6665A>G), located in coding exon 10 of the BRCA2 gene, results from an A to G substitution at nucleotide position 6665. The tyrosine at codon 2222 is replaced by cysteine, an amino acid with highly dissimilar properties. This alteration has also been reported in cohorts of individuals deemed high-risk for breast and/or ovarian cancer (Kurian AW et al. J. Clin. Oncol. 2008 Oct;26:4752-8; Azzollini J et al. Eur. J. Intern. Med., 2016 Jul;32:65-71; Pilato B et al. Genes Chromosomes Cancer, 2016 10;55:803-13). This amino acid position is not well conserved in available vertebrate species. In addition, the in silico prediction for this alteration is inconclusive. Since supporting evidence is limited at this time, the clinical significance of this alteration remains unclear.

Women's Health and Genetics/Laboratory Corporation of America, LabCorp
Classification: Likely benign. Last evaluated: 2025-05-01. Review status: criteria provided, single submitter. Criteria: LabCorp Variant Classification Summary - May 2015. Collection method: clinical testing. Allele origin: germline.
Comment: Variant summary: BRCA2 c.6665A>G (p.Tyr2222Cys) results in a non-conservative amino acid change in the encoded protein sequence. Four of five in-silico tools predict a benign effect of the variant on protein function, consistent with its location in a coldspot region where missense variants are very unlikely to be pathogenic (PMID:31911673). The variant allele was found at a frequency of 1.6e-05 in 250722 control chromosomes. The available data on variant occurrences in the general population are insufficient to allow any conclusion about variant significance. c.6665A>G has been observed in sequencing studies of individuals affected with early onset prostate cancer, familial breast/ovarian cancer, and individuals undergoing clinical genetic testing for BRCA1/2 genes (example, Edwards_2001, Edwards_2003, Kurian_2008, Azzollini_2016, Pilato_2016). These report(s) do not provide unequivocal conclusions about association of the variant with Hereditary Breast And Ovarian Cancer Syndrome. At least one co-occurrence with another pathogenic variant has been reported in the UMD database (BRCA1 c.1380dup, p.Phe461IlefsX19), providing supporting evidence for a benign role. To our knowledge, no experimental evidence demonstrating an impact on protein function has been reported. The following publications have been ascertained in the context of this evaluation (PMID: 27062684, 12474142, 11241844, 38160042, 18779604, 27225819). ClinVar contains an entry for this variant (Variation ID: 52151). Based on the evidence outlined above, the variant was classified as likely benign.

Institute for Biomarker Research, Medical Diagnostic Laboratories, L.L.C.
Classification: Uncertain significance for Hereditary breast ovarian cancer syndrome. Last evaluated: 2024-06-18. Review status: criteria provided, single submitter. Criteria: ACMG Guidelines, 2015. Collection method: clinical testing. Allele origin: germline.

Quest Diagnostics Nichols Institute San Juan Capistrano
Classification: Uncertain significance. Last evaluated: 2024-05-06. Review status: criteria provided, single submitter. Criteria: Quest Diagnostics criteria. Collection method: clinical testing. Allele origin: unknown.
Comment: The BRCA2 c.6665A>G (p.Tyr2222Cys) variant has been reported in the published literature in in individuals with prostate cancer (PMID: 12474142 (2008)), breast and/or ovarian cancer (PMID: 27062684 (2016), 27225819 (2016)), and myeloid malignancies (PMID: 33850299 (2021)). This variant has also been reported to be located in a region of the BRCA2 gene that is tolerant to missense sequence changes (PMID: 31911673 (2020)). The frequency of this variant in the general population, 0.000035 (4/113480 chromosomes (Genome Aggregation Database)), is uninformative in the assessment of its pathogenicity. Analysis of this variant using bioinformatics tools for the prediction of the effect of amino acid changes on protein structure and function yielded conflicting predictions that this variant is deleterious or benign. Based on the available information, we are unable to determine the clinical significance of this variant.

All of Us Research Program, National Institutes of Health
Classification: Likely benign for Breast-ovarian cancer, familial, susceptibility to, 2. Last evaluated: 2023-06-26. Review status: criteria provided, single submitter. Criteria: ACMG Guidelines, 2015. Collection method: clinical testing. Allele origin: germline. Inheritance: Autosomal dominant inheritance. Observed: 1 variant allele, 1 heterozygote.
Comment: This study involves interpretation of variants in research participants for the purpose of population health screening. Participant phenotype was not available at the time of variant classification. Additional details can be found in publication PMID: 35346344, PMCID: PMC8962531

GeneDx
Classification: Uncertain significance. Last evaluated: 2023-05-26. Review status: criteria provided, single submitter. Criteria: GeneDx Variant Classification Process June 2021. Collection method: clinical testing. Allele origin: germline. Affected: yes.
Comment: Observed in individuals with BRCA2-related cancers (Edwards et al., 2003; Azzollini et al., 2016); In silico analysis supports that this missense variant does not alter protein structure/function; Not observed at significant frequency in large population cohorts (gnomAD); Also known as 6893A>G; This variant is associated with the following publications: (PMID: 11241844, 18779604, 12474142, 27225819, 32377563, 31086113, 29884841, 31853058, 27062684, 31911673)

University of Washington Department of Laboratory Medicine, University of Washington
Classification: Likely benign for Hereditary cancer-predisposing syndrome. Last evaluated: 2023-03-23. Review status: criteria provided, single submitter. Criteria: Dines et al. (Genet Med. 2020). Collection method: curation. Allele origin: germline.
Comment: Missense variant in a coldspot region where missense variants are very unlikely to be pathogenic (PMID:31911673).

BRCA2 exon 11 coldspot. Reclassification based on statistical prior probability.

Mendelics
Classification: Uncertain significance for Breast-ovarian cancer, familial, susceptibility to, 2. Last evaluated: 2019-05-28. Review status: criteria provided, single submitter. Criteria: Mendelics Assertion Criteria 2017. Collection method: clinical testing. Allele origin: unknown.

Genetic Services Laboratory, University of Chicago
Classification: Uncertain significance. Last evaluated: 2017-11-20. Review status: criteria provided, single submitter. Criteria: ACMG Guidelines, 2015. Collection method: clinical testing. Allele origin: germline. Affected: no.

Color Diagnostics, LLC DBA Color Health
Classification: Likely benign for Hereditary cancer-predisposing syndrome. Last evaluated: 2017-02-21. Review status: criteria provided, single submitter. Criteria: ACMG Guidelines, 2015. Collection method: clinical testing. Allele origin: germline.

Department of Medical and Surgical Sciences, University of Bologna
Classification: Likely benign for Breast-ovarian cancer, familial, susceptibility to, 2. Last evaluated: 2023-09-01. Review status: no assertion criteria provided. Collection method: clinical testing. Allele origin: germline. Affected: yes. Not counted in ClinVar's aggregate classification.
Comment: BP1(Strong) according to ACMG/AMP classification guidelines specified for BRCA1 & BRCA2 (Classification Criteria V1.0.0 2023-09-08) (PMID: 38160042)

Counsyl
Classification: Uncertain significance for Breast-ovarian cancer, familial, susceptibility to, 2. Last evaluated: 2016-03-16. Review status: no assertion criteria provided. Collection method: clinical testing. Allele origin: unknown. Not counted in ClinVar's aggregate classification.

Literature cited by the submitters: PubMed 12474142 (cited by 4 submitters); PubMed 18779604 (cited by 4 submitters); PubMed 27062684 (cited by 3 submitters); PubMed 27225819 (cited by 3 submitters); PubMed 11241844 (cited by Women's Health and Genetics/Laboratory Corporation of America, LabCorp and Quest Diagnostics Nichols Institute San Juan Capistrano); PubMed 38160042 (cited by Women's Health and Genetics/Laboratory Corporation of America, LabCorp); PubMed 33850299 (cited by Quest Diagnostics Nichols Institute San Juan Capistrano); PubMed 31911673 (cited by Quest Diagnostics Nichols Institute San Juan Capistrano).